The following is an entry in ClinVar:

NM_000046.5(ARSB):c.589C>T (p.Arg197Ter)

Gene: ARSB (arylsulfatase B; minus strand). Cytogenetic location: 5q14.1.
Variant type: single nucleotide variant.
Coding change: c.589C>T on transcript NM_000046.5 (MANE Select); coding-DNA position 589, C replaced by T.
Protein change: p.Arg197Ter; replaces arginine 197 with a stop codon.
Molecular consequence: nonsense.
Genome position (GRCh38, 1-based): chr5:78,964,517, G>A on the plus strand (C>T on the coding strand, the complement: ARSB is on the minus strand). VCF-style: chr5-78964517-G-A. GRCh37 (hg19) VCF-style: chr5-78260340-G-A.
Other names: c.589C>T, p.Arg197Ter (NM_198709.3); short protein forms R197*.
Identifiers: ClinVar variation 559799 (VCV000559799.16), dbSNP rs773460207, ClinGen allele CA360193287.

ClinVar aggregate classification (germline): Pathogenic/Likely pathogenic. Review status: criteria provided, multiple submitters, no conflicts (2 of 4 stars). 7 submissions from 7 submitters: Pathogenic (6); Likely pathogenic (1). Last evaluated 2025-12-29.

Conditions:
Mucopolysaccharidosis type 6 (MPS6). Also called: MPS VI; ARSB DEFICIENCY; ARYLSULFATASE B DEFICIENCY; N-ACETYLGALACTOSAMINE-4-SULFATASE DEFICIENCY; MPS 6; Maroteaux Lamy syndrome. Identifiers: Orphanet 583, MedGen C0026709, MONDO:0009661, OMIM 253200.
ARSB-related disorder. Also called: ARSB-related condition.

gnomAD v4.1: 7 of 1,613,932 alleles (0.00043%); highest among the groups gnomAD compares: South Asian, 0.0022%; no homozygotes.

Submissions (7):

PreventionGenetics, part of Exact Sciences
Classification: Pathogenic for ARSB-related condition. Last evaluated: 2025-12-29. Review status: criteria provided, single submitter. Criteria: ACMG Guidelines, 2015. Collection method: clinical testing. Allele origin: germline.
Comment: The ARSB c.589C>T variant is predicted to result in premature protein termination (p.Arg197*). This variant was reported in the homozygous state in an individual with mucopolysaccharidosis VI (Petry et al. 2005. PubMed ID: 16435196). This variant has not been reported in a large population database, indicating this variant is rare. Nonsense variants in ARSB are expected to be pathogenic. This variant is interpreted as pathogenic.

Natera, Inc.
Classification: Pathogenic for Mucopolysaccharidosis type VI. Last evaluated: 2025-10-16. Review status: criteria provided, single submitter. Criteria: Natera Variant Classification Schema (03/2026). Collection method: clinical testing. Allele origin: germline.
Comment: The c.589C>T variant in ARSB is a nonsense variant predicted to introduce a stop codon at amino acid 197. This variant is expected to result in nonsense mediated decay, truncation, or a dysfunctional protein product. This variant is rare in the general population with a frequency below the threshold expected for the associated phenotype(s). This variant has been observed in one or more individuals affected with the associated recessive disease, as either homozygous or compound heterozygous with a second variant (PMID: 17458871). Functional studies show that this variant may disrupt protein function (PMID: 16949067). Given the available evidence, this variant is classified as Pathogenic.

Fulgent Genetics
Classification: Pathogenic for Mucopolysaccharidosis type 6. Last evaluated: 2024-06-12. Review status: criteria provided, single submitter. Criteria: ACMG Guidelines, 2015. Collection method: clinical testing. Allele origin: germline.

Labcorp Genetics (formerly Invitae), Labcorp
Classification: Pathogenic for Mucopolysaccharidosis type 6. Last evaluated: 2024-01-25. Review status: criteria provided, single submitter. Criteria: Invitae Variant Classification Sherloc (09022015). Collection method: clinical testing. Allele origin: germline.
Comment: This sequence change creates a premature translational stop signal (p.Arg197*) in the ARSB gene. It is expected to result in an absent or disrupted protein product. Loss-of-function variants in ARSB are known to be pathogenic (PMID: 17458871, 22133300). This variant is not present in population databases (gnomAD no frequency). This premature translational stop signal has been observed in individual(s) with mucopolysaccharidosis type VI (PMID: 16435196). ClinVar contains an entry for this variant (Variation ID: 559799). For these reasons, this variant has been classified as Pathogenic.

Women's Health and Genetics/Laboratory Corporation of America, LabCorp
Classification: Pathogenic for Mucopolysaccharidosis type 6. Last evaluated: 2020-04-08. Review status: criteria provided, single submitter. Criteria: LabCorp Variant Classification Summary - May 2015. Collection method: clinical testing. Allele origin: germline.
Comment: Variant summary: ARSB c.589C>T (p.Arg197X) results in a premature termination codon, predicted to cause a truncation of the encoded protein or absence of the protein due to nonsense mediated decay, which are commonly known mechanisms for disease. Truncations downstream of this position have been classified as pathogenic by our laboratory. The variant was absent in 251310 control chromosomes. c.589C>T has been reported in the literature in individuals affected with Mucopolysaccharidosis Type VI (Maroteaux-Lamy Syndrome; Examples- Petry_2005, Dou_2006, Karageorgos_2007). These data indicate that the variant is likely to be associated with disease. At least one publication reports experimental evidence evaluating an impact on protein function. The most pronounced variant effect results in <10% of normal ARSB enzymatic activity (examples- Dou_2006, Karageorgos_2007). One other clinical diagnostic laboratory has submitted clinical-significance assessments for this variant to ClinVar after 2014 without evidence for independent evaluation and cited the variant as pathogenic. Based on the evidence outlined above, the variant was classified as pathogenic.

Blueprint Genetics
Classification: Likely pathogenic for ARSB-related disorders. Last evaluated: 2018-11-02. Review status: criteria provided, single submitter. Criteria: ACMG Guidelines, 2015. Collection method: clinical testing. Allele origin: germline. Affected: yes. Observed: 1 variant allele.

Laboratory of Diagnosis and Therapy of Lysosomal Disorders, University of Padova
Classification: Pathogenic for Mucopolysaccharidosis type 6. Last evaluated: 2018-01-01. Review status: criteria provided, single submitter. Criteria: ACMG Guidelines, 2015. Collection method: curation. Allele origin: germline. Affected: yes.
Comment: Nonsense variant (PVS1); In vitro functional studies supportive of a damaging effect on the gene product (low to no ARSB activity in homozygotes; PS3); Absent from GnomAD (PM2)

Incorrectly reported Petry (2005) J Inherit Metab Dis 28, 1027 and Karageorgos (2007) Hum Mutat 28, 897 as c.592C>T

Literature cited by the submitters: PubMed 17458871 (cited by 4 submitters); PubMed 16949067 (cited by 3 submitters); PubMed 22133300 (cited by Labcorp Genetics (formerly Invitae), Labcorp); PubMed 16435196 (cited by 3 submitters); PubMed 30118150 (cited by Women's Health and Genetics/Laboratory Corporation of America, LabCorp and Laboratory of Diagnosis and Therapy of Lysosomal Disorders, University of Padova).